The following is an entry in ClinVar:

Conditions:
Long QT syndrome 5 (LQT5). Identifiers: Orphanet 101016, Orphanet 768, MedGen C1867904, MONDO:0013372, OMIM 613695.

Submission:

Roden Lab, Vanderbilt University Medical Center
No classification provided (evidence only). Condition: Long QT syndrome 5. Review status: no classification provided. Collection method: in vitro. Allele origin: not applicable. Functional consequence: Effect on ion channel function.
ClinVar note: "not provided" was previously submitted as the classification for the variant. However, the classification appeared to be based only on an observation of functional data so it was converted to no classification on 2025-07-30.

NM_000219.6(KCNE1):c.381T>A (p.Pro127=)

Gene: KCNE1 (potassium voltage-gated channel subfamily E regulatory subunit 1; minus strand). Cytogenetic location: 21q22.12.
Variant type: single nucleotide variant.
Coding change: c.381T>A on transcript NM_000219.6 (MANE Select); coding-DNA position 381, T replaced by A.
Protein change: p.Pro127=; no amino-acid change (proline 127 retained).
Molecular consequence: synonymous variant.
Genome position (GRCh38, 1-based): chr21:34,449,254, A>T on the plus strand (T>A on the coding strand, the complement: KCNE1 is on the minus strand). VCF-style: chr21-34449254-A-T. GRCh37 (hg19) VCF-style: chr21-35821552-A-T.
Other names: c.381T>A, p.Pro127= (NM_001127668.4, NM_001127669.4, NM_001127670.4 and 4 more transcripts).
Identifiers: ClinVar variation 3373869 (VCV003373869.2).